The following is an entry in ClinVar:

ClinVar aggregate classification (germline): Pathogenic (1 of 4 stars; one submission).

Conditions:
Cornelia de Lange syndrome 1 (CDLS1). Also called: TYPUS DEGENERATIVUS AMSTELODAMENSIS; Brachmann de Lange syndrome; NIPBL-Related Cornelia de Lange Syndrome. Identifiers: Orphanet 199, MedGen C4551851, MONDO:0007387, OMIM 122470.

Submission:

Labcorp Genetics (formerly Invitae), Labcorp
Classification: Pathogenic for Cornelia de Lange syndrome 1. Last evaluated: 2023-01-03. Review status: criteria provided, single submitter. Criteria: Invitae Variant Classification Sherloc (09022015). Collection method: clinical testing. Allele origin: germline.
Comment: For these reasons, this variant has been classified as Pathogenic. This variant has not been reported in the literature in individuals affected with NIPBL-related conditions. This variant is not present in population databases (gnomAD no frequency). This sequence change creates a premature translational stop signal (p.Thr359Asnfs*25) in the NIPBL gene. It is expected to result in an absent or disrupted protein product. Loss-of-function variants in NIPBL are known to be pathogenic (PMID: 15318302, 19763162, 23505322, 29995837).

Literature cited by the submitters: PubMed 15318302; PubMed 19763162; PubMed 23505322; PubMed 29995837.

NM_133433.4(NIPBL):c.1075dup (p.Thr359fs)

Gene: NIPBL (NIPBL cohesin loading factor; plus strand). Cytogenetic location: 5p13.2.
Variant type: Duplication.
Coding change: c.1075dup on transcript NM_133433.4 (MANE Select); coding-DNA position 1075, one base duplicated (A; older notation c.1075dupA).
Protein change: p.Thr359fs; shifts the reading frame from threonine 359.
Molecular consequence: frameshift variant.
Genome position (GRCh38, 1-based): chr5:36,975,982, A duplicated. VCF-style (leftmost placement, unchanged base first): chr5-36975981-T-TA. GRCh37 (hg19) VCF-style: chr5-36976083-T-TA.
Other names: c.1075dup, p.Thr359fs (NM_015384.5); short protein forms T359fs.
Identifiers: ClinVar variation 2826146 (VCV002826146.3), dbSNP rs2479124645, ClinGen allele CA2739274659.